The following is an entry in ClinVar:

ClinVar aggregate classification (germline): Uncertain significance (1 of 4 stars; one submission).

Conditions:
Familial acute necrotizing encephalopathy (IIAE3). Also called: ENCEPHALOPATHY, ACUTE, INFECTION-INDUCED, SUSCEPTIBILITY TO, 3; Susceptibility to Acute Necrotizing Encephalopathy 1. Identifiers: Orphanet 88619, MedGen C2675556, MONDO:0011953, OMIM 608033.

Allele frequency attached by ClinVar (database versions not stated): gnomAD exomes below 0.00001.
gnomAD v4.1: 1 of 1,611,188 alleles (0.000062%); highest among the groups gnomAD compares: East Asian, 0.0022%; no homozygotes.

Submission:

Labcorp Genetics (formerly Invitae), Labcorp
Classification: Uncertain significance for Familial acute necrotizing encephalopathy. Last evaluated: 2022-08-09. Review status: criteria provided, single submitter. Criteria: Invitae Variant Classification Sherloc (09022015). Collection method: clinical testing. Allele origin: germline.
Comment: This sequence change replaces arginine, which is basic and polar, with leucine, which is neutral and non-polar, at codon 2455 of the RANBP2 protein (p.Arg2455Leu). This variant is present in population databases (no rsID available, gnomAD 0.006%). In summary, the available evidence is currently insufficient to determine the role of this variant in disease. Therefore, it has been classified as a Variant of Uncertain Significance. Algorithms developed to predict the effect of missense changes on protein structure and function output the following: SIFT: "Tolerated"; PolyPhen-2: "Benign"; Align-GVGD: "Class C35". The leucine amino acid residue is found in multiple mammalian species, which suggests that this missense change does not adversely affect protein function. ClinVar contains an entry for this variant (Variation ID: 861783). This variant has not been reported in the literature in individuals affected with RANBP2-related conditions.

NM_006267.5(RANBP2):c.7364G>T (p.Arg2455Leu)

Gene: RANBP2 (RAN binding protein 2; plus strand). Cytogenetic location: 2q13.
Variant type: single nucleotide variant.
Coding change: c.7364G>T on transcript NM_006267.5 (MANE Select); coding-DNA position 7364, G replaced by T.
Protein change: p.Arg2455Leu; replaces arginine 2455 with leucine.
Molecular consequence: missense variant.
Genome position (GRCh38, 1-based): chr2:108,767,903, G>T. VCF-style: chr2-108767903-G-T. GRCh37 (hg19) VCF-style: chr2-109384359-G-T.
Other names: short protein forms R2455L.
Identifiers: ClinVar variation 861783 (VCV000861783.10), dbSNP rs561921269, ClinGen allele CA348077813.